The following is an entry in ClinVar:

NM_024747.6(HPS6):c.706_707del (p.Ser236fs)

Gene: HPS6 (HPS6 biogenesis of lysosomal organelles complex 2 subunit 3; plus strand). Cytogenetic location: 10q24.32.
Variant type: Microsatellite.
Coding change: c.706_707del on transcript NM_024747.6 (MANE Select); coding-DNA positions 706 to 707, 2 bases deleted (TC; older notation c.706_707delTC).
Protein change: p.Ser236fs; shifts the reading frame from serine 236.
Molecular consequence: frameshift variant.
Genome position (GRCh38, 1-based): chr10:102,066,180-102,066,181, TC deleted; deleting any 2 consecutive bases within chr10:102,066,176-102,066,181 gives the same sequence; the c. name uses the placement nearest the transcript's 3' end. VCF-style (leftmost placement, unchanged base first): chr10-102066175-GTC-G. GRCh37 (hg19) VCF-style: chr10-103825932-GTC-G.
Other names: c.706_707delTC (NM_024747.5); short protein forms S236fs.
Identifiers: ClinVar variation 627362 (VCV000627362.10), dbSNP rs756471925, ClinGen allele CA5659837.

ClinVar aggregate classification (germline): Pathogenic/Likely pathogenic. Review status: criteria provided, multiple submitters, no conflicts (2 of 4 stars). 3 submissions from 3 submitters: Pathogenic (1); Likely pathogenic (2). Last evaluated 2025-03-31.

Conditions:
Hermansky-Pudlak syndrome (HPS). Also called: ALBINISM WITH HEMORRHAGIC DIATHESIS AND PIGMENTED RETICULOENDOTHELIAL CELLS. Identifiers: Orphanet 79430, MedGen C0079504, MONDO:0019312.
HPS6-related disorder. Also called: HPS6-related condition.

Submissions (3):

Labcorp Genetics (formerly Invitae), Labcorp
Classification: Pathogenic. Last evaluated: 2025-03-31. Review status: criteria provided, single submitter. Criteria: Invitae Variant Classification Sherloc (09022015). Collection method: clinical testing. Allele origin: germline.
Comment: This sequence change creates a premature translational stop signal (p.Ser236Leufs*3) in the HPS6 gene. While this is not anticipated to result in nonsense mediated decay, it is expected to disrupt the last 540 amino acid(s) of the HPS6 protein. This variant is present in population databases (rs756471925, gnomAD 0.003%). This premature translational stop signal has been observed in individual(s) with platelet disorders (PMID: 31064749). This variant disrupts a region of the HPS6 protein in which other variant(s) (p.Gln305*) have been determined to be pathogenic (PMID: 19843503; internal data). This suggests that this is a clinically significant region of the protein, and that variants that disrupt it are likely to be disease-causing. For these reasons, this variant has been classified as Pathogenic.

PreventionGenetics, part of Exact Sciences
Classification: Likely pathogenic for HPS6-related condition. Last evaluated: 2023-01-06. Review status: criteria provided, single submitter. Criteria: ACMG Guidelines, 2015. Collection method: clinical testing. Allele origin: germline.
Comment: The HPS6 c.706_707delTC variant is predicted to result in a frameshift and premature protein termination (p.Ser236Leufs*3). This variant was reported along with a second potentially pathogenic HPS6 variant in a patient with abnormal platelet function (Table S3, Downes et al 2019. PubMed ID: 31064749). This variant is reported in 0.0027% of alleles in individuals of European (Non-Finnish) descent in gnomAD. Frameshift variants in HPS6 are expected to be pathogenic. This variant is interpreted as likely pathogenic.

NIHR Bioresource Rare Diseases, University of Cambridge
Classification: Likely pathogenic for Hermansky-Pudlak syndrome. Last evaluated: 2019-02-01. Review status: criteria provided, single submitter. Criteria: ACMG Guidelines, 2015. Collection method: research. Allele origin: unknown. Affected: yes. Observed: 1 compound heterozygote. Study: ThromboGenomics.

Literature cited by the submitters: PubMed 31064749 (cited by Labcorp Genetics (formerly Invitae), Labcorp and NIHR Bioresource Rare Diseases, University of Cambridge); PubMed 19843503 (cited by Labcorp Genetics (formerly Invitae), Labcorp).